The following is an entry in ClinVar:

NM_001165963.4(SCN1A):c.564_571del (p.Asp188fs)

Gene: SCN1A (sodium voltage-gated channel alpha subunit 1; minus strand). Cytogenetic location: 2q24.3.
Variant type: Deletion.
Coding change: c.564_571del on transcript NM_001165963.4 (MANE Select); coding-DNA positions 564 to 571, 8 bases deleted (TCCATGGA; older notation c.564_571delTCCATGGA).
Protein change: p.Asp188fs; shifts the reading frame from aspartic acid 188.
Molecular consequence: frameshift variant. On other transcripts: 5 prime UTR variant (1), non-coding transcript variant (1).
Genome position (GRCh38, 1-based): chr2:166,054,669-166,054,676, TCCATGGA deleted on the plus strand (TCCATGGA on the coding strand, the reverse complement: SCN1A is on the minus strand); deleting any 8 consecutive bases within chr2:166,054,669-166,054,679 gives the same sequence; the c. name uses the placement nearest the transcript's 3' end. VCF-style (leftmost placement, unchanged base first): chr2-166054668-TTCCATGGA-T. GRCh37 (hg19) VCF-style: chr2-166911178-TTCCATGGA-T.
Other names: c.564_571del, p.Asp188fs (NM_001165964.3, NM_001202435.3, NM_001353948.2 and 10 more transcripts); c.-1862_-1855del (NM_001353961.2); short protein forms D188fs.
Identifiers: ClinVar variation 2025705 (VCV002025705.4), dbSNP rs2468246538, ClinGen allele CA2580064316.
Genomic context (GRCh38, chr2:166,054,668, plus strand): 5'-CTCTCTTAAAGTTTCAAAAAAGGCACTTACGCAAATGTAATGACAGTGAAATCGAGCCAG[TTCCATGGA>T]TCCCGAAGGAAAGTAAAATCTTCTAAACAGAATCCCCTTGCAATAATTTTTATAAGTGAT-3'

ClinVar aggregate classification (germline): Pathogenic (1 of 4 stars; one submission).

Conditions:
Early-infantile DEE. Also called: Ohtahara syndrome; Early infantile epileptic encephalopathy with suppression bursts; Early infantile epileptic encephalopathy. Identifiers: Orphanet 1934, MedGen C0393706, MONDO:0800491.

Submission:

Labcorp Genetics (formerly Invitae), Labcorp
Classification: Pathogenic for Early-infantile DEE. Last evaluated: 2022-10-26. Review status: criteria provided, single submitter. Criteria: Invitae Variant Classification Sherloc (09022015). Collection method: clinical testing. Allele origin: germline.
Comment: For these reasons, this variant has been classified as Pathogenic. This variant has not been reported in the literature in individuals affected with SCN1A-related conditions. This variant is not present in population databases (gnomAD no frequency). This sequence change creates a premature translational stop signal (p.Asp188Glufs*86) in the SCN1A gene. It is expected to result in an absent or disrupted protein product. Loss-of-function variants in SCN1A are known to be pathogenic (PMID: 17347258, 18930999).

Literature cited by the submitters: PubMed 17347258; PubMed 18930999.